The following is an entry in ClinVar:

NM_015602.4(TOR1AIP1):c.372_383del (p.Arg126_Arg129del)

Genes: TOR1AIP1 (torsin 1A interacting protein 1; plus strand), LOC112577517 (Sharpr-MPRA regulatory region 13766; plus strand). Cytogenetic location: 1q25.2.
Variant type: Deletion.
Coding change: c.372_383del on transcript NM_015602.4 (MANE Select); coding-DNA positions 372 to 383, 12 bases deleted (GCGAAGGACTAC).
Protein change: p.Arg126_Arg129del.
Molecular consequence: inframe deletion.
Genome position (GRCh38, 1-based): chr1:179,882,874-179,882,885, GCGAAGGACTAC deleted; deleting any 12 consecutive bases within chr1:179,882,872-179,882,885 gives the same sequence; the c. name uses the placement nearest the transcript's 3' end. VCF-style (leftmost placement, unchanged base first): chr1-179882871-GACGCGAAGGACT-G. GRCh37 (hg19) VCF-style: chr1-179852006-GACGCGAAGGACT-G.
Other names: c.372_383del, p.Arg126_Arg129del (NM_001267578.2).
Identifiers: ClinVar variation 1518444 (VCV001518444.3), dbSNP rs1647770427, ClinGen allele CA1210449655.

ClinVar aggregate classification (germline): Uncertain significance (1 of 4 stars; one submission).

Conditions:
Autosomal recessive limb-girdle muscular dystrophy type 2Y (MRRSDC). Also called: Muscular dystrophy, autosomal recessive, with rigid spine and distal joint contractures; Muscular dystrophy, limb-girdle, type 2y. Identifiers: Orphanet 424261, MedGen C4511482, MONDO:0014900, OMIM 617072.

Submission:

Labcorp Genetics (formerly Invitae), Labcorp
Classification: Uncertain significance for Autosomal recessive limb-girdle muscular dystrophy type 2Y. Last evaluated: 2022-06-30. Review status: criteria provided, single submitter. Criteria: Invitae Variant Classification Sherloc (09022015). Collection method: clinical testing. Allele origin: germline.
Comment: This variant, c.372_383del, results in the deletion of 4 amino acid(s) of the TOR1AIP1 protein (p.Arg126_Arg129del), but otherwise preserves the integrity of the reading frame. This variant is not present in population databases (gnomAD no frequency). This variant has not been reported in the literature in individuals affected with TOR1AIP1-related conditions. ClinVar contains an entry for this variant (Variation ID: 1518444). Experimental studies and prediction algorithms are not available or were not evaluated, and the functional significance of this variant is currently unknown. In summary, the available evidence is currently insufficient to determine the role of this variant in disease. Therefore, it has been classified as a Variant of Uncertain Significance.